The following is an entry in ClinVar:

ClinVar aggregate classification (germline): Benign/Likely benign. Review status: criteria provided, multiple submitters, no conflicts (2 of 4 stars). 7 submissions from 7 submitters: Benign (1); Likely benign (6). Last evaluated 2026-06-08.

Conditions:
Hereditary cancer-predisposing syndrome. Also called: Tumor predisposition; Neoplastic Syndromes, Hereditary; Hereditary Cancer Syndrome; Hereditary neoplastic syndrome. Identifiers: Orphanet 140162, MedGen C0027672, MeSH D009386, MONDO:0015356.
Familial adenomatous polyposis 1 (FAP1). Also called: FAMILIAL ADENOMATOUS POLYPOSIS 1, ATTENUATED; POLYPOSIS, ADENOMATOUS INTESTINAL. Identifiers: MedGen C2713442, MONDO:0021056, OMIM 175100. Disease mechanism: loss of function.

Allele frequency attached by ClinVar (database versions not stated): TOPMed 0.00001.
gnomAD v4.1: 2 of 1,613,970 alleles (0.00012%); highest among the groups gnomAD compares: Admixed American, 0.0017%; no homozygotes.

Submissions (7):

Women's Health and Genetics/Laboratory Corporation of America, LabCorp
Classification: Likely benign. Last evaluated: 2026-06-08. Review status: criteria provided, single submitter. Criteria: LabCorp Variant Classification Summary - May 2015. Collection method: clinical testing. Allele origin: germline.

Labcorp Genetics (formerly Invitae), Labcorp
Classification: Likely benign for Familial adenomatous polyposis 1. Last evaluated: 2025-09-30. Review status: criteria provided, single submitter. Criteria: Invitae Variant Classification Sherloc (09022015). Collection method: clinical testing. Allele origin: germline.

Myriad Genetics, Inc.
Classification: Benign for Familial adenomatous polyposis 1. Last evaluated: 2024-04-08. Review status: criteria provided, single submitter. Criteria: Myriad Autosomal Dominant, Autosomal Recessive and X-Linked Classification Criteria (2023). Collection method: clinical testing. Allele origin: unknown.
Comment: This variant is considered benign. This variant is a silent/synonymous amino acid change and it is not expected to impact splicing.

Quest Diagnostics Nichols Institute San Juan Capistrano
Classification: Likely benign. Last evaluated: 2023-03-23. Review status: criteria provided, single submitter. Criteria: Quest Diagnostics criteria. Collection method: clinical testing. Allele origin: unknown.

Ambry Genetics
Classification: Likely benign for Hereditary cancer-predisposing syndrome. Last evaluated: 2018-01-02. Review status: criteria provided, single submitter. Criteria: Ambry Variant Classification Scheme 2023. Collection method: clinical testing. Allele origin: germline.

Color Diagnostics, LLC DBA Color Health
Classification: Likely benign for Hereditary cancer-predisposing syndrome. Last evaluated: 2017-07-19. Review status: criteria provided, single submitter. Criteria: ACMG Guidelines, 2015. Collection method: clinical testing. Allele origin: germline.

PreventionGenetics, part of Exact Sciences
Classification: Likely benign. Last evaluated: 2017-03-21. Review status: criteria provided, single submitter. Criteria: ACMG Guidelines, 2015. Collection method: clinical testing. Allele origin: germline.

NM_000038.6(APC):c.7026A>G (p.Leu2342=)

Gene: APC (APC regulator of Wnt signaling pathway; plus strand). Cytogenetic location: 5q22.2.
Variant type: single nucleotide variant.
Coding change: c.7026A>G on transcript NM_000038.6 (MANE Select); coding-DNA position 7026, A replaced by G.
Protein change: p.Leu2342=; no amino-acid change (leucine 2342 retained).
Molecular consequence: synonymous variant.
Genome position (GRCh38, 1-based): chr5:112,842,620, A>G. VCF-style: chr5-112842620-A-G. GRCh37 (hg19) VCF-style: chr5-112178317-A-G.
Other names: c.7026A>G, p.Leu2342= (NM_001127510.3, NM_001354895.2); c.6972A>G, p.Leu2324= (NM_001127511.3); c.7080A>G, p.Leu2360= (NM_001354896.2); c.7056A>G, p.Leu2352= (NM_001354897.2); c.6951A>G, p.Leu2317= (NM_001354898.2); c.6942A>G, p.Leu2314= (NM_001354899.2); c.6903A>G, p.Leu2301= (NM_001354900.2); c.6849A>G, p.Leu2283= (NM_001354901.2); and 5 more.
Identifiers: ClinVar variation 220813 (VCV000220813.22), dbSNP rs766086022, ClinGen allele CA349688.